The following is an entry in ClinVar:

NM_004329.3(BMPR1A):c.721G>A (p.Gly241Ser)

Gene: BMPR1A (bone morphogenetic protein receptor type 1A; plus strand). Cytogenetic location: 10q23.2.
Variant type: single nucleotide variant.
Coding change: c.721G>A on transcript NM_004329.3 (MANE Select); coding-DNA position 721, G replaced by A.
Protein change: p.Gly241Ser; replaces glycine 241 with serine.
Molecular consequence: missense variant.
Genome position (GRCh38, 1-based): chr10:86,917,179, G>A. VCF-style: chr10-86917179-G-A. GRCh37 (hg19) VCF-style: chr10-88676936-G-A.
Other names: short protein forms G241S.
Identifiers: ClinVar variation 486798 (VCV000486798.5), dbSNP rs1226033707, ClinGen allele CA377457266.

ClinVar aggregate classification (germline): Uncertain significance (1 of 4 stars; one submission).

Conditions:
Hereditary cancer-predisposing syndrome. Also called: Tumor predisposition; Hereditary Cancer Syndrome; Hereditary neoplastic syndrome; Neoplastic Syndromes, Hereditary. Identifiers: Orphanet 140162, MedGen C0027672, MeSH D009386, MONDO:0015356.

Allele frequency attached by ClinVar (database versions not stated): gnomAD exomes below 0.00001.

Submission:

Ambry Genetics
Classification: Uncertain significance for Hereditary cancer-predisposing syndrome. Last evaluated: 2016-02-17. Review status: criteria provided, single submitter. Criteria: Ambry Variant Classification Scheme 2023. Collection method: clinical testing. Allele origin: germline.
Comment: The p.G241S variant (also known as c.721G>A), located in coding exon 7 of the BMPR1A gene, results from a G to A substitution at nucleotide position 721. The glycine at codon 241 is replaced by serine, an amino acid with similar properties. This variant was not reported in population based cohorts in the following databases: Database of Single Nucleotide Polymorphisms (dbSNP), NHLBI Exome Sequencing Project (ESP), and 1000 Genomes Project. In the ESP, this variant was not observed in 6501 samples (13002 alleles) with coverage at this position. To date, this alteration has been detected with an allele frequency of approximately 0.002% (greater than 65000 alleles tested) in our clinical cohort. This amino acid position is highly conserved in available vertebrate species. In addition, this alteration is predicted to be deleterious by in silico analysis. Since supporting evidence is limited at this time, the clinical significance of this alteration remains unclear.